The following is an entry in ClinVar:

NM_001458.5(FLNC):c.1655G>T (p.Gly552Val)

Gene: FLNC (filamin C; plus strand). Cytogenetic location: 7q32.1.
Variant type: single nucleotide variant.
Coding change: c.1655G>T on transcript NM_001458.5 (MANE Select); coding-DNA position 1655, G replaced by T.
Protein change: p.Gly552Val; replaces glycine 552 with valine.
Molecular consequence: missense variant.
Genome position (GRCh38, 1-based): chr7:128,840,653, G>T. VCF-style: chr7-128840653-G-T. GRCh37 (hg19) VCF-style: chr7-128480707-G-T.
Other names: c.1655G>T, p.Gly552Val (NM_001127487.2); short protein forms G552V.
Identifiers: ClinVar variation 2941635 (VCV002941635.3), dbSNP rs2536626560, ClinGen allele CA369226786.

ClinVar aggregate classification (germline): Uncertain significance (1 of 4 stars; one submission).

Conditions:
Hypertrophic cardiomyopathy 26. Also called: Cardiomyopathy, familial hypertrophic, 26. Identifiers: Orphanet 75249, MedGen C4310749, MONDO:0014883, OMIM 617047.
Myofibrillar myopathy 5. Also called: Filaminopathy (type); FILAMINOPATHY, AUTOSOMAL DOMINANT. Identifiers: Orphanet 171445, MedGen C1836050, MONDO:0012289, OMIM 609524.
Distal myopathy with posterior leg and anterior hand involvement. Also called: WILLIAMS DISTAL MYOPATHY. Identifiers: Orphanet 63273, MedGen C3279722, MONDO:0013550, OMIM 614065.

Submission:

Labcorp Genetics (formerly Invitae), Labcorp
Classification: Uncertain significance for Distal myopathy with posterior leg and anterior hand involvement; Myofibrillar myopathy 5; Hypertrophic cardiomyopathy 26. Last evaluated: 2024-04-12. Review status: criteria provided, single submitter. Criteria: Invitae Variant Classification Sherloc (09022015). Collection method: clinical testing. Allele origin: germline.
Comment: This sequence change replaces glycine, which is neutral and non-polar, with valine, which is neutral and non-polar, at codon 552 of the FLNC protein (p.Gly552Val). This variant is not present in population databases (gnomAD no frequency). This variant has not been reported in the literature in individuals affected with FLNC-related conditions. Advanced modeling of protein sequence and biophysical properties (such as structural, functional, and spatial information, amino acid conservation, physicochemical variation, residue mobility, and thermodynamic stability) has been performed at Invitae for this missense variant, however the output from this modeling did not meet the statistical confidence thresholds required to predict the impact of this variant on FLNC protein function. In summary, the available evidence is currently insufficient to determine the role of this variant in disease. Therefore, it has been classified as a Variant of Uncertain Significance.